The following is an entry in ClinVar:

ClinVar aggregate classification (germline): Pathogenic. Review status: criteria provided, multiple submitters, no conflicts (2 of 4 stars). 2 submissions from 2 submitters: Pathogenic (2). Last evaluated 2024-04-24.

Conditions:
Diamond-Blackfan anemia 10 (DBA10). Also called: RPS26-Related Diamond-Blackfan Anemia. Identifiers: Orphanet 124, MedGen C2750080, MONDO:0013217, OMIM 613309.

Submissions (2):

Labcorp Genetics (formerly Invitae), Labcorp
Classification: Pathogenic for Diamond-Blackfan anemia 10. Last evaluated: 2024-04-24. Review status: criteria provided, single submitter. Criteria: Invitae Variant Classification Sherloc (09022015). Collection method: clinical testing. Allele origin: germline.
Comment: This sequence change creates a premature translational stop signal (p.Val75Glufs*15) in the RPS26 gene. It is expected to result in an absent or disrupted protein product. Loss-of-function variants in RPS26 are known to be pathogenic (PMID: 20116044, 23718193). This variant is not present in population databases (gnomAD no frequency). This variant has not been reported in the literature in individuals affected with RPS26-related conditions. ClinVar contains an entry for this variant (Variation ID: 470476). For these reasons, this variant has been classified as Pathogenic.

Centre for Mendelian Genomics, University Medical Centre Ljubljana
Classification: Pathogenic for Diamond-Blackfan anemia 10. Last evaluated: 2018-11-20. Review status: criteria provided, single submitter. Criteria: ACMG Guidelines, 2015. Collection method: clinical testing. Allele origin: unknown. Affected: yes.
Comment: This variant was classified as: Pathogenic. The following ACMG criteria were applied in classifying this variant: PVS1,PM2.

Literature cited by the submitters: PubMed 20116044 (cited by Labcorp Genetics (formerly Invitae), Labcorp); PubMed 23718193 (cited by Labcorp Genetics (formerly Invitae), Labcorp).

NM_001029.5(RPS26):c.224_225del (p.Val75fs)

Gene: RPS26 (ribosomal protein S26; plus strand). Cytogenetic location: 12q13.2.
Variant type: Microsatellite.
Coding change: c.224_225del on transcript NM_001029.5 (MANE Select); coding-DNA positions 224 to 225, 2 bases deleted (TG; older notation c.224_225delTG).
Protein change: p.Val75fs; shifts the reading frame from valine 75.
Molecular consequence: frameshift variant.
Genome position (GRCh38, 1-based): chr12:56,043,405-56,043,406, TG deleted; deleting any 2 consecutive bases within chr12:56,043,401-56,043,406 gives the same sequence; the c. name uses the placement nearest the transcript's 3' end. VCF-style (leftmost placement, unchanged base first): chr12-56043400-CTG-C. GRCh37 (hg19) VCF-style: chr12-56437184-CTG-C.
Other names: short protein forms V75fs.
Identifiers: ClinVar variation 470476 (VCV000470476.11), dbSNP rs1555208596, ClinGen allele CA658658159.